The following is an entry in ClinVar:

ClinVar aggregate classification (germline): Pathogenic (1 of 4 stars; one submission).

Conditions:
Jeune thoracic dystrophy. Also called: Short-rib thoracic dysplasia; Jeune syndrome; Infantile thoracic dystrophy; Thoracic pelvic phalangeal dystrophy; Jeune's syndrome; Chondroectodermal dysplasia-like syndrome. Identifiers: Orphanet 474, MedGen C0265275, MONDO:0018770.

Submission:

Labcorp Genetics (formerly Invitae), Labcorp
Classification: Pathogenic for Jeune thoracic dystrophy. Last evaluated: 2023-07-31. Review status: criteria provided, single submitter. Criteria: Invitae Variant Classification Sherloc (09022015). Collection method: clinical testing. Allele origin: germline.
Comment: This variant is present in population databases (no rsID available, gnomAD 0.004%). For these reasons, this variant has been classified as Pathogenic. This variant has not been reported in the literature in individuals affected with DYNC2H1-related conditions. This sequence change creates a premature translational stop signal (p.Asn2581Glnfs*21) in the DYNC2H1 gene. It is expected to result in an absent or disrupted protein product. Loss-of-function variants in DYNC2H1 are known to be pathogenic (PMID: 23339108, 32753734, 33755199).

Literature cited by the submitters: PubMed 23339108; PubMed 32753734; PubMed 33755199.

NM_001377.3(DYNC2H1):c.7741_7744del (p.Asn2581fs)

Gene: DYNC2H1 (dynein cytoplasmic 2 heavy chain 1; plus strand). Cytogenetic location: 11q22.3.
Variant type: Deletion.
Coding change: c.7741_7744del on transcript NM_001377.3 (MANE Select); coding-DNA positions 7741 to 7744, 4 bases deleted (AATT; older notation c.7741_7744delAATT).
Protein change: p.Asn2581fs; shifts the reading frame from asparagine 2581.
Molecular consequence: frameshift variant.
Genome position (GRCh38, 1-based): chr11:103,197,965-103,197,968, AATT deleted; deleting any 4 consecutive bases within chr11:103,197,964-103,197,968 gives the same sequence; the c. name uses the placement nearest the transcript's 3' end. VCF-style (leftmost placement, unchanged base first): chr11-103197963-ATAAT-A. GRCh37 (hg19) VCF-style: chr11-103068692-ATAAT-A.
Other names: c.7741_7744del, p.Asn2581fs (NM_001080463.2); short protein forms N2581fs.
Identifiers: ClinVar variation 3019950 (VCV003019950.3), dbSNP rs1565388092, ClinGen allele CA601231228.